The following is an entry in ClinVar:

ClinVar aggregate classification (germline): Uncertain significance (1 of 4 stars; one submission).

Conditions:
Hereditary cancer-predisposing syndrome. Also called: Tumor predisposition; Hereditary neoplastic syndrome; Hereditary Cancer Syndrome; Neoplastic Syndromes, Hereditary. Identifiers: Orphanet 140162, MedGen C0027672, MeSH D009386, MONDO:0015356.

Submission:

Color Diagnostics, LLC DBA Color Health
Classification: Uncertain significance for Hereditary cancer-predisposing syndrome. Last evaluated: 2020-08-03. Review status: criteria provided, single submitter. Criteria: ACMG Guidelines, 2015. Collection method: clinical testing. Allele origin: germline.
Comment: This missense variant replaces serine with leucine at codon 1282 of the APC protein. Computational prediction is inconclusive regarding the impact of this variant on protein structure and function (internally defined REVEL score threshold 0.5 < inconclusive < 0.7, PMID: 27666373). To our knowledge, functional studies have not been reported for this variant. This variant has not been reported in individuals affected with hereditary cancer in the literature. This variant has not been identified in the general population by the Genome Aggregation Database (gnomAD). The available evidence is insufficient to determine the role of this variant in disease conclusively. Therefore, this variant is classified as a Variant of Uncertain Significance.

NM_000038.6(APC):c.3845C>T (p.Ser1282Leu)

Gene: APC (APC regulator of Wnt signaling pathway; plus strand). Cytogenetic location: 5q22.2.
Variant type: single nucleotide variant.
Coding change: c.3845C>T on transcript NM_000038.6 (MANE Select); coding-DNA position 3845, C replaced by T.
Protein change: p.Ser1282Leu; replaces serine 1282 with leucine.
Molecular consequence: missense variant.
Genome position (GRCh38, 1-based): chr5:112,839,439, C>T. VCF-style: chr5-112839439-C-T. GRCh37 (hg19) VCF-style: chr5-112175136-C-T.
Other names: c.3899C>T, p.Ser1300Leu (NM_001354896.2); c.3875C>T, p.Ser1292Leu (NM_001354897.2); c.3770C>T, p.Ser1257Leu (NM_001354898.2); c.3761C>T, p.Ser1254Leu (NM_001354899.2); c.3365C>T, p.Ser1122Leu (NM_001354905.2); c.3722C>T, p.Ser1241Leu (NM_001354900.2); c.3668C>T, p.Ser1223Leu (NM_001354901.2); c.3572C>T, p.Ser1191Leu (NM_001354902.2); and 5 more; short protein forms S1122L, S1156L, S1181L, S1191L, S1223L, S1241L, S1254L, S1257L.
Identifiers: ClinVar variation 1172443 (VCV001172443.2), dbSNP rs1765536690, ClinGen allele CA16029768.